The following is an entry in ClinVar:

NM_004082.5(DCTN1):c.2860G>A (p.Glu954Lys)

Gene: DCTN1 (dynactin subunit 1; minus strand). Cytogenetic location: 2p13.1.
Variant type: single nucleotide variant.
Coding change: c.2860G>A on transcript NM_004082.5 (MANE Select); coding-DNA position 2860, G replaced by A.
Protein change: p.Glu954Lys; replaces glutamic acid 954 with lysine.
Molecular consequence: missense variant. On other transcripts: non-coding transcript variant (1).
Genome position (GRCh38, 1-based): chr2:74,365,919, C>T on the plus strand (G>A on the coding strand, the complement: DCTN1 is on the minus strand). VCF-style: chr2-74365919-C-T. GRCh37 (hg19) VCF-style: chr2-74593046-C-T.
Other names: c.2791G>A, p.Glu931Lys (NM_001378992.1); c.2458G>A, p.Glu820Lys (NM_023019.4, NM_001135041.3); c.2800G>A, p.Glu934Lys (NM_001135040.3); c.2749G>A, p.Glu917Lys (NM_001190836.2); c.2839G>A, p.Glu947Lys (NM_001190837.2); c.2809G>A, p.Glu937Lys (NM_001378991.1); short protein forms E954K, E820K, E937K, E947K, E931K, E934K, E917K.
Identifiers: ClinVar variation 4792815 (VCV004792815.1).

ClinVar aggregate classification (germline): Uncertain significance (1 of 4 stars; one submission).

Conditions:
Amyotrophic lateral sclerosis type 1 (ALS1). Also called: AMYOTROPHIC LATERAL SCLEROSIS 1, FAMILIAL. Identifiers: Orphanet 803, MedGen C1862939, MONDO:0007103, OMIM 105400.
Neuronopathy, distal hereditary motor, type 7B. Also called: HMN VIIB; LOWER MOTOR NEURON DISEASE, DYNACTIN TYPE; NEURONOPATHY, DISTAL HEREDITARY MOTOR, AUTOSOMAL DOMINANT 14; NEURONOPATHY, DISTAL HEREDITARY MOTOR, HARDING TYPE VIIB; NEUROPATHY, DISTAL HEREDITARY MOTOR, HARDING TYPE VIIB; NEUROPATHY, DISTAL HEREDITARY MOTOR, WITH VOCAL CORD PARALYSIS, HARDING TYPE VIIB. Identifiers: Orphanet 139589, MedGen C1843315, MONDO:0011879, OMIM 607641.
Perry syndrome. Also called: PARKINSONISM WITH ALVEOLAR HYPOVENTILATION AND MENTAL DEPRESSION. Identifiers: Orphanet 178509, MedGen C1868594, MONDO:0008201, OMIM 168605.

Submission:

Labcorp Genetics (formerly Invitae), Labcorp
Classification: Uncertain significance for Amyotrophic lateral sclerosis type 1; Neuronopathy, distal hereditary motor, type 7B; Perry syndrome. Last evaluated: 2025-11-10. Review status: criteria provided, single submitter. Criteria: Invitae Variant Classification Sherloc (09022015). Collection method: clinical testing. Allele origin: germline.
Comment: This sequence change replaces glutamic acid, which is acidic and polar, with lysine, which is basic and polar, at codon 954 of the DCTN1 protein (p.Glu954Lys). This variant is not present in population databases (gnomAD no frequency). This variant has not been reported in the literature in individuals affected with DCTN1-related conditions. Invitae Evidence Modeling of protein sequence and biophysical properties (such as structural, functional, and spatial information, amino acid conservation, physicochemical variation, residue mobility, and thermodynamic stability) indicates that this missense variant is not expected to disrupt DCTN1 protein function with a negative predictive value of 95%. In summary, the available evidence is currently insufficient to determine the role of this variant in disease. Therefore, it has been classified as a Variant of Uncertain Significance.